The following is an entry in ClinVar:

ClinVar aggregate classification (germline): Uncertain significance (1 of 4 stars; one submission).

Conditions:
Inborn genetic diseases. Identifiers: MedGen C0950123, MeSH D030342.

Submission:

Ambry Genetics
Classification: Uncertain significance for Inborn genetic diseases. Last evaluated: 2021-11-22. Review status: criteria provided, single submitter. Criteria: Ambry Variant Classification Scheme 2023. Collection method: clinical testing. Allele origin: germline.
Comment: The p.P543R variant (also known as c.1628C>G), located in coding exon 12 of the ACD gene, results from a C to G substitution at nucleotide position 1628. The proline at codon 543 is replaced by arginine, an amino acid with dissimilar properties. This amino acid position is conserved. In addition, this alteration is predicted to be tolerated by in silico analysis. Since supporting evidence is limited at this time, the clinical significance of this alteration remains unclear.

NM_001082486.2(ACD):c.1370C>G (p.Pro457Arg)

Gene: ACD (ACD shelterin complex subunit and telomerase recruitment factor; minus strand). Cytogenetic location: 16q22.1.
Variant type: single nucleotide variant.
Coding change: c.1370C>G on transcript NM_001082486.2 (MANE Select); coding-DNA position 1370, C replaced by G.
Protein change: p.Pro457Arg; replaces proline 457 with arginine.
Molecular consequence: missense variant.
Genome position (GRCh38, 1-based): chr16:67,657,613, G>C on the plus strand (C>G on the coding strand, the complement: ACD is on the minus strand). VCF-style: chr16-67657613-G-C. GRCh37 (hg19) VCF-style: chr16-67691516-G-C.
Other names: c.1283C>G, p.Pro428Arg (NM_001410884.1); c.1361C>G, p.Pro454Arg (NM_022914.3); short protein forms P457R, P454R, P428R.
Identifiers: ClinVar variation 1776737 (VCV001776737.2), dbSNP rs150387011, ClinGen allele CA396349502.